The following is an entry in ClinVar:

ClinVar aggregate classification (germline): Uncertain significance (1 of 4 stars; one submission).

Conditions:
DICER1-related tumor predisposition. Also called: DICER1 syndrome; DICER1-related pleuropulmonary blastoma cancer predisposition syndrome. Identifiers: Orphanet 284343, MedGen C3839822, MONDO:0100216.

Submission:

Labcorp Genetics (formerly Invitae), Labcorp
Classification: Uncertain significance for DICER1-related tumor predisposition. Last evaluated: 2022-11-24. Review status: criteria provided, single submitter. Criteria: Invitae Variant Classification Sherloc (09022015). Collection method: clinical testing. Allele origin: germline.
Comment: This variant is not present in population databases (gnomAD no frequency). This sequence change replaces histidine, which is basic and polar, with aspartic acid, which is acidic and polar, at codon 1652 of the DICER1 protein (p.His1652Asp). This variant has not been reported in the literature in individuals affected with DICER1-related conditions. In summary, the available evidence is currently insufficient to determine the role of this variant in disease. Therefore, it has been classified as a Variant of Uncertain Significance. Algorithms developed to predict the effect of missense changes on protein structure and function (SIFT, PolyPhen-2, Align-GVGD) all suggest that this variant is likely to be tolerated.

NM_177438.3(DICER1):c.4954C>G (p.His1652Asp)

Gene: DICER1 (dicer 1, ribonuclease III; minus strand). Cytogenetic location: 14q32.13.
Variant type: single nucleotide variant.
Coding change: c.4954C>G on transcript NM_177438.3 (MANE Select); coding-DNA position 4954, C replaced by G.
Protein change: p.His1652Asp; replaces histidine 1652 with aspartic acid.
Molecular consequence: missense variant. On other transcripts: non-coding transcript variant (6).
Genome position (GRCh38, 1-based): chr14:95,095,966, G>C on the plus strand (C>G on the coding strand, the complement: DICER1 is on the minus strand). VCF-style: chr14-95095966-G-C. GRCh37 (hg19) VCF-style: chr14-95562303-G-C.
Other names: c.4954C>G, p.His1652Asp (NM_001195573.1, NM_001271282.3, NM_001291628.2 and 13 more transcripts); c.4672C>G, p.His1558Asp (NM_001395686.1); c.4549C>G, p.His1517Asp (NM_001395687.1, NM_001395688.1, NM_001395689.1 and 2 more transcripts); c.4387C>G, p.His1463Asp (NM_001395691.1); c.3271C>G, p.His1091Asp (NM_001395697.1); short protein forms H1091D, H1463D, H1558D, H1652D, H1517D.
Identifiers: ClinVar variation 2785468 (VCV002785468.3), dbSNP rs1372597986, ClinGen allele CA390866234.